The following is an entry in ClinVar:

ClinVar aggregate classification (germline): Uncertain significance (1 of 4 stars; one submission).

Submission:

Labcorp Genetics (formerly Invitae), Labcorp
Classification: Uncertain significance. Last evaluated: 2024-10-07. Review status: criteria provided, single submitter. Criteria: Invitae Variant Classification Sherloc (09022015). Collection method: clinical testing. Allele origin: germline.
Comment: This sequence change replaces glutamine, which is neutral and polar, with lysine, which is basic and polar, at codon 73 of the MRPL44 protein (p.Gln73Lys). This variant is not present in population databases (gnomAD no frequency). This variant has not been reported in the literature in individuals affected with MRPL44-related conditions. ClinVar contains an entry for this variant (Variation ID: 1928508). Invitae Evidence Modeling of protein sequence and biophysical properties (such as structural, functional, and spatial information, amino acid conservation, physicochemical variation, residue mobility, and thermodynamic stability) indicates that this missense variant is not expected to disrupt MRPL44 protein function with a negative predictive value of 80%. In summary, the available evidence is currently insufficient to determine the role of this variant in disease. Therefore, it has been classified as a Variant of Uncertain Significance.

NM_022915.5(MRPL44):c.217C>A (p.Gln73Lys)

Gene: MRPL44 (mitochondrial ribosomal protein L44; plus strand). Cytogenetic location: 2q36.1.
Variant type: single nucleotide variant.
Coding change: c.217C>A on transcript NM_022915.5 (MANE Select); coding-DNA position 217, C replaced by A.
Protein change: p.Gln73Lys; replaces glutamine 73 with lysine.
Molecular consequence: missense variant.
Genome position (GRCh38, 1-based): chr2:223,959,571, C>A. VCF-style: chr2-223959571-C-A. GRCh37 (hg19) VCF-style: chr2-224824288-C-A.
Other names: short protein forms Q73K.
Identifiers: ClinVar variation 1928508 (VCV001928508.5), dbSNP rs2469368464, ClinGen allele CA350805923.
Genomic context (GRCh38, chr2:223,959,571, plus strand): 5'-TCTTACTGTCTTTACATTTTCAGTTCAGAGAAGCCGAACTGGGATTACCATGCAGAAATA[C>A]AAGCTTTTGGACATCGGTTACAGGAAAACTTTTCCTTAGATCTTCTCAAAACTGCATTTG-3'
Protein context (NP_075066.1, residues 63-83): KPNWDYHAEI[Gln73Lys]AFGHRLQENF